The following is an entry in ClinVar:

ClinVar aggregate classification (germline): Pathogenic/Likely pathogenic. Review status: criteria provided, multiple submitters, no conflicts (2 of 4 stars). 2 submissions from 2 submitters: Pathogenic (1); Likely pathogenic (1). Last evaluated 2024-05-15.

Conditions:
Argininosuccinate lyase deficiency. Also called: ARGININOSUCCINIC ACID LYASE DEFICIENCY; ASL DEFICIENCY; Argininosuccinic aciduria. Identifiers: Orphanet 23, MedGen C0268547, MONDO:0008815, OMIM 207900, HP:0025630.

Submissions (2):

Fulgent Genetics
Classification: Likely pathogenic for Argininosuccinate lyase deficiency. Last evaluated: 2024-05-15. Review status: criteria provided, single submitter. Criteria: ACMG Guidelines, 2015. Collection method: clinical testing. Allele origin: germline.

Labcorp Genetics (formerly Invitae), Labcorp
Classification: Pathogenic for Argininosuccinate lyase deficiency. Last evaluated: 2023-12-13. Review status: criteria provided, single submitter. Criteria: Invitae Variant Classification Sherloc (09022015). Collection method: clinical testing. Allele origin: germline.
Comment: This sequence change creates a premature translational stop signal (p.Tyr321*) in the ASL gene. It is expected to result in an absent or disrupted protein product. Loss-of-function variants in ASL are known to be pathogenic (PMID: 2263616, 24166829). This variant is not present in population databases (gnomAD no frequency). This variant has not been reported in the literature in individuals affected with ASL-related conditions. For these reasons, this variant has been classified as Pathogenic.

Literature cited by the submitters: PubMed 2263616 (cited by Labcorp Genetics (formerly Invitae), Labcorp); PubMed 24166829 (cited by Labcorp Genetics (formerly Invitae), Labcorp).

NM_000048.4(ASL):c.963C>A (p.Tyr321Ter)

Gene: ASL (argininosuccinate lyase; plus strand). Cytogenetic location: 7q11.21.
Variant type: single nucleotide variant.
Coding change: c.963C>A on transcript NM_000048.4 (MANE Select); coding-DNA position 963, C replaced by A.
Protein change: p.Tyr321Ter; replaces tyrosine 321 with a stop codon.
Molecular consequence: nonsense. On other transcripts: intron variant (1).
Genome position (GRCh38, 1-based): chr7:66,089,320, C>A. VCF-style: chr7-66089320-C-A. GRCh37 (hg19) VCF-style: chr7-65554307-C-A.
Other names: c.963C>A, p.Tyr321Ter (NM_001024943.2); c.885C>A, p.Tyr295Ter (NM_001024946.2); c.918+145C>A (NM_001024944.2); short protein forms Y295*, Y321*.
Identifiers: ClinVar variation 2834801 (VCV002834801.4), dbSNP rs2485019700, ClinGen allele CA367646532.